The following is an entry in ClinVar:

NM_020822.3(KCNT1):c.3334T>C (p.Trp1112Arg)

Gene: KCNT1 (potassium sodium-activated channel subfamily T member 1; plus strand). Cytogenetic location: 9q34.3.
Variant type: single nucleotide variant.
Coding change: c.3334T>C on transcript NM_020822.3 (MANE Select); coding-DNA position 3334, T replaced by C.
Protein change: p.Trp1112Arg; replaces tryptophan 1112 with arginine.
Molecular consequence: missense variant.
Genome position (GRCh38, 1-based): chr9:135,786,353, T>C. VCF-style: chr9-135786353-T-C. GRCh37 (hg19) VCF-style: chr9-138678199-T-C.
Other names: c.3199T>C, p.Trp1067Arg (NM_001272003.2); short protein forms W1067R, W1112R.
Identifiers: ClinVar variation 3749521 (VCV003749521.2).

ClinVar aggregate classification (germline): Uncertain significance (1 of 4 stars; one submission).

Conditions:
Autosomal dominant nocturnal frontal lobe epilepsy 5. Also called: KCNT1-Related Epilepsy; CILIARY DYSKINESIA, PRIMARY, 28, WITHOUT SITUS INVERSUS; CILIARY DYSKINESIA, PRIMARY, 28, WITH SITUS INVERSUS; Epilepsy, nocturnal frontal lobe, 5. Identifiers: Orphanet 98784, MedGen C3554306, MONDO:0014002, OMIM 615005.
Developmental and epileptic encephalopathy, 14 (DEE14). Also called: Early infantile epileptic encephalopathy 14. Identifiers: Orphanet 293181, MedGen C3554195, MONDO:0013989, OMIM 614959.

Submission:

Labcorp Genetics (formerly Invitae), Labcorp
Classification: Uncertain significance for Autosomal dominant nocturnal frontal lobe epilepsy 5; Developmental and epileptic encephalopathy, 14. Last evaluated: 2024-04-15. Review status: criteria provided, single submitter. Criteria: Invitae Variant Classification Sherloc (09022015). Collection method: clinical testing. Allele origin: germline.
Comment: This sequence change replaces tryptophan, which is neutral and slightly polar, with arginine, which is basic and polar, at codon 1112 of the KCNT1 protein (p.Trp1112Arg). This variant is not present in population databases (gnomAD no frequency). This variant has not been reported in the literature in individuals affected with KCNT1-related conditions. Advanced modeling of protein sequence and biophysical properties (such as structural, functional, and spatial information, amino acid conservation, physicochemical variation, residue mobility, and thermodynamic stability) has been performed at Invitae for this missense variant, however the output from this modeling did not meet the statistical confidence thresholds required to predict the impact of this variant on KCNT1 protein function. In summary, the available evidence is currently insufficient to determine the role of this variant in disease. Therefore, it has been classified as a Variant of Uncertain Significance.